The following is an entry in ClinVar:

ClinVar aggregate classification (germline): Likely benign (0 of 4 stars; one submission).

Conditions:
RSPO4-related disorder. Also called: RSPO4-related condition.

Allele frequency attached by ClinVar (database versions not stated): ExAC 0.00031; ESP Exome Variant Server 0.00043; 1000 Genomes Project 0.00060; gnomAD 0.00061; 1000 Genomes Project 30x 0.00062.
gnomAD v4.1: 270 of 1,537,668 alleles (0.018%); highest among the groups gnomAD compares: Admixed American, 0.2%; no homozygotes.

Submission:

PreventionGenetics, part of Exact Sciences
Classification: Likely benign for RSPO4-related condition. Last evaluated: 2019-04-29. Review status: no assertion criteria provided. Collection method: clinical testing. Allele origin: germline.
Comment: This variant is classified as likely benign based on ACMG/AMP sequence variant interpretation guidelines (Richards et al. 2015 PMID: 25741868, with internal and published modifications).

NM_001029871.4(RSPO4):c.681G>A (p.Pro227=)

Gene: RSPO4 (R-spondin 4; minus strand). Cytogenetic location: 20p13.
Variant type: single nucleotide variant.
Coding change: c.681G>A on transcript NM_001029871.4 (MANE Select); coding-DNA position 681, G replaced by A.
Protein change: p.Pro227=; no amino-acid change (proline 227 retained).
Molecular consequence: synonymous variant.
Genome position (GRCh38, 1-based): chr20:960,381, C>T on the plus strand (G>A on the coding strand, the complement: RSPO4 is on the minus strand). VCF-style: chr20-960381-C-T. GRCh37 (hg19) VCF-style: chr20-941024-C-T.
Other names: c.495G>A, p.Pro165= (NM_001040007.3).
Identifiers: ClinVar variation 3056446 (VCV003056446.2), dbSNP rs369860447, ClinGen allele CA9725555.